The following is an entry in ClinVar:

ClinVar aggregate classification (germline): Pathogenic (1 of 4 stars; one submission).

Conditions:
MEGF8-related Carpenter syndrome. Also called: Carpenter syndrome 2. Identifiers: Orphanet 65759, MedGen C3554247, MONDO:0013998, OMIM 614976.

Submission:

Labcorp Genetics (formerly Invitae), Labcorp
Classification: Pathogenic for MEGF8-related Carpenter syndrome. Last evaluated: 2026-01-05. Review status: criteria provided, single submitter. Criteria: Invitae Variant Classification Sherloc (09022015). Collection method: clinical testing. Allele origin: germline.
Comment: This sequence change creates a premature translational stop signal (p.Leu1417Argfs*63) in the MEGF8 gene. It is expected to result in an absent or disrupted protein product. Loss-of-function variants in MEGF8 are known to be pathogenic (PMID: 23063620). This variant is not present in population databases (gnomAD no frequency). This variant has not been reported in the literature in individuals affected with MEGF8-related conditions. For these reasons, this variant has been classified as Pathogenic.

Literature cited by the submitters: PubMed 23063620.

NM_001271938.2(MEGF8):c.4451_4452delinsGCA (p.Leu1484fs)

Gene: MEGF8 (multiple EGF like domains 8; plus strand). Cytogenetic location: 19q13.2.
Variant type: Indel.
Coding change: c.4451_4452delinsGCA on transcript NM_001271938.2 (MANE Select); coding-DNA positions 4451 to 4452, TG replaced by GCA.
Protein change: p.Leu1484fs; shifts the reading frame from leucine 1484.
Molecular consequence: frameshift variant.
Genome position (GRCh38, 1-based): chr19:42,356,141-42,356,142, TG replaced by GCA. VCF-style: chr19-42356141-TG-GCA. GRCh37 (hg19) VCF-style: chr19-42860293-TG-GCA.
Other names: c.4250_4251delinsGCA, p.Leu1417fs (NM_001410.3); short protein forms L1484fs, L1417fs.
Identifiers: ClinVar variation 2037327 (VCV002037327.4), dbSNP rs2514309368, ClinGen allele CA2580097352.